The following is an entry in ClinVar:

ClinVar aggregate classification (germline): Pathogenic (1 of 4 stars; one submission).

Conditions:
Primary pulmonary hypertension. Also called: Idiopathic pulmonary hypertension. Identifiers: MedGen C0152171.

Submission:

Labcorp Genetics (formerly Invitae), Labcorp
Classification: Pathogenic for Primary pulmonary hypertension. Last evaluated: 2025-06-01. Review status: criteria provided, single submitter. Criteria: Invitae Variant Classification Sherloc (09022015). Collection method: clinical testing. Allele origin: germline.
Comment: This sequence change creates a premature translational stop signal (p.Trp298*) in the BMPR2 gene. It is expected to result in an absent or disrupted protein product. Loss-of-function variants in BMPR2 are known to be pathogenic (PMID: 16429395). This variant is not present in population databases (gnomAD no frequency). This premature translational stop signal has been observed in individual(s) with pulmonary arterial hypertension (PMID: 27630060, 31727138). ClinVar contains an entry for this variant (Variation ID: 1372691). For these reasons, this variant has been classified as Pathogenic.

Literature cited by the submitters: PubMed 16429395; PubMed 27630060; PubMed 31727138.

NM_001204.7(BMPR2):c.894G>A (p.Trp298Ter)

Gene: BMPR2 (bone morphogenetic protein receptor type 2; plus strand). Cytogenetic location: 2q33.2.
Variant type: single nucleotide variant.
Coding change: c.894G>A on transcript NM_001204.7 (MANE Select); coding-DNA position 894, G replaced by A.
Protein change: p.Trp298Ter; replaces tryptophan 298 with a stop codon.
Molecular consequence: nonsense.
Genome position (GRCh38, 1-based): chr2:202,520,128, G>A. VCF-style: chr2-202520128-G-A. GRCh37 (hg19) VCF-style: chr2-203384851-G-A.
Other names: short protein forms W298*.
Identifiers: ClinVar variation 1372691 (VCV001372691.8), dbSNP rs2106008336, ClinGen allele CA350340771.